The following is an entry in ClinVar:

NM_000419.5(ITGA2B):c.2887G>A (p.Val963Met)

Gene: ITGA2B (integrin subunit alpha 2b; minus strand). Cytogenetic location: 17q21.31.
Variant type: single nucleotide variant.
Coding change: c.2887G>A on transcript NM_000419.5 (MANE Select); coding-DNA position 2887, G replaced by A.
Protein change: p.Val963Met; replaces valine 963 with methionine.
Molecular consequence: missense variant.
Genome position (GRCh38, 1-based): chr17:44,374,715, C>T on the plus strand (G>A on the coding strand, the complement: ITGA2B is on the minus strand). VCF-style: chr17-44374715-C-T. GRCh37 (hg19) VCF-style: chr17-42452083-C-T.
Other names: short protein forms V963M.
Identifiers: ClinVar variation 4751599 (VCV004751599.1).

ClinVar aggregate classification (germline): Uncertain significance (1 of 4 stars; one submission).

Conditions:
Glanzmann thrombasthenia. Also called: BLEEDING DISORDER, PLATELET-TYPE, 2; THROMBASTHENIA OF GLANZMANN AND NAEGELI; PLATELET GLYCOPROTEIN IIb-IIIa DEFICIENCY; Glanzmann's thrombasthenia; Thrombasthenia. Identifiers: Orphanet 849, MedGen C0040015, MONDO:0100326.

gnomAD v4.1: 7 of 1,614,108 alleles (0.00043%); highest among the groups gnomAD compares: Non-Finnish European, 0.00059%; no homozygotes.

Submission:

Labcorp Genetics (formerly Invitae), Labcorp
Classification: Uncertain significance for Glanzmann thrombasthenia. Last evaluated: 2025-11-16. Review status: criteria provided, single submitter. Criteria: Invitae Variant Classification Sherloc (09022015). Collection method: clinical testing. Allele origin: germline.
Comment: This sequence change replaces valine, which is neutral and non-polar, with methionine, which is neutral and non-polar, at codon 963 of the ITGA2B protein (p.Val963Met). This variant is not present in population databases (gnomAD no frequency). This variant has not been reported in the literature in individuals affected with ITGA2B-related conditions. Invitae Evidence Modeling of protein sequence and biophysical properties (such as structural, functional, and spatial information, amino acid conservation, physicochemical variation, residue mobility, and thermodynamic stability) has been performed for this missense variant. However, the output from this modeling did not meet the statistical confidence thresholds required to predict the impact of this variant on ITGA2B protein function. In summary, the available evidence is currently insufficient to determine the role of this variant in disease. Therefore, it has been classified as a Variant of Uncertain Significance.